The following is an entry in ClinVar:

NM_024675.4(PALB2):c.2220A>G (p.Gln740=)

Gene: PALB2 (partner and localizer of BRCA2; minus strand). Cytogenetic location: 16p12.2.
Variant type: single nucleotide variant.
Coding change: c.2220A>G on transcript NM_024675.4 (MANE Select); coding-DNA position 2220, A replaced by G.
Protein change: p.Gln740=; no amino-acid change (glutamine 740 retained).
Molecular consequence: synonymous variant.
Genome position (GRCh38, 1-based): chr16:23,629,934, T>C on the plus strand (A>G on the coding strand, the complement: PALB2 is on the minus strand). VCF-style: chr16-23629934-T-C. GRCh37 (hg19) VCF-style: chr16-23641255-T-C.
Identifiers: ClinVar variation 389872 (VCV000389872.3), dbSNP rs1057523562, ClinGen allele CA16607337.
Genomic context (GRCh38, chr16:23,629,934, plus strand): 5'-AAGTTGGGGTGTGCAGCAAGTTCGTCCAGCAACTTCTGTAGATGCTTTTTCATAGGAGCC[T>C]TGAGGGCCAAAGGCTGGAGTAGTACCTAAGATGGGGAAAGCAGGTGAACACATGTCTGTG-3'
Protein context (NP_078951.2, residues 730-750): ILGTTPAFGP[Gln740=]GSYEKASTEV

ClinVar aggregate classification (germline): Likely benign. Review status: criteria provided, multiple submitters, no conflicts (2 of 4 stars). 3 submissions from 3 submitters: Likely benign (3). Last evaluated 2025-12-14.

Conditions:
Familial cancer of breast. Also called: Hereditary breast cancer; hereditary breast carcinoma; BREAST CANCER, FAMILIAL. Identifiers: Orphanet 227535, MedGen C0346153, MONDO:0016419, OMIM 114480. Disease mechanism: loss of function.
Hereditary cancer-predisposing syndrome. Also called: Hereditary Cancer Syndrome; Hereditary neoplastic syndrome; Neoplastic Syndromes, Hereditary; Tumor predisposition. Identifiers: Orphanet 140162, MedGen C0027672, MeSH D009386, MONDO:0015356.

Submissions (3):

Labcorp Genetics (formerly Invitae), Labcorp
Classification: Likely benign for Familial cancer of breast. Last evaluated: 2025-12-14. Review status: criteria provided, single submitter. Criteria: Invitae Variant Classification Sherloc (09022015). Collection method: clinical testing. Allele origin: germline.

Ambry Genetics
Classification: Likely benign for Hereditary cancer-predisposing syndrome. Last evaluated: 2025-06-25. Review status: criteria provided, single submitter. Criteria: Ambry Variant Classification Scheme 2023. Collection method: clinical testing. Allele origin: germline.

GeneDx
Classification: Likely benign. Last evaluated: 2016-10-05. Review status: criteria provided, single submitter. Criteria: GeneDx Variant Classification (06012015). Collection method: clinical testing. Allele origin: germline. Affected: yes.
Comment: This variant is considered likely benign or benign based on one or more of the following criteria: it is a conservative change, it occurs at a poorly conserved position in the protein, it is predicted to be benign by multiple in silico algorithms, and/or has population frequency not consistent with disease.